The following is an entry in ClinVar:

ClinVar aggregate classification (germline): Likely benign. Review status: criteria provided, multiple submitters, no conflicts (2 of 4 stars). 4 submissions from 4 submitters: Likely benign (4). Last evaluated 2026-01-05.

Conditions:
EGFR-related lung cancer (EGFR). Identifiers: MedGen CN130014.
Hereditary cancer-predisposing syndrome. Also called: Hereditary Cancer Syndrome; Tumor predisposition; Neoplastic Syndromes, Hereditary; Hereditary neoplastic syndrome. Identifiers: Orphanet 140162, MedGen C0027672, MeSH D009386, MONDO:0015356.

Allele frequency attached by ClinVar (database versions not stated): gnomAD 0.00001; gnomAD exomes 0.00001; ExAC 0.00002; TOPMed 0.00002.
gnomAD v4.1: 13 of 1,614,074 alleles (0.00081%); highest among the groups gnomAD compares: Non-Finnish European, 0.001%; no homozygotes.

Submissions (4):

Labcorp Genetics (formerly Invitae), Labcorp
Classification: Likely benign for EGFR-related lung cancer. Last evaluated: 2026-01-05. Review status: criteria provided, single submitter. Criteria: Invitae Variant Classification Sherloc (09022015). Collection method: clinical testing. Allele origin: germline.

CeGaT Center for Human Genetics Tuebingen
Classification: Likely benign. Last evaluated: 2025-09-01. Review status: criteria provided, single submitter. Criteria: CeGaT Center For Human Genetics Tuebingen Variant Classification Criteria Version 2. Collection method: clinical testing. Allele origin: germline. Affected: yes. Observed: 2 variant alleles.
Comment: EGFR: BP4, BP7

Ambry Genetics
Classification: Likely benign for Hereditary cancer-predisposing syndrome. Last evaluated: 2024-12-16. Review status: criteria provided, single submitter. Criteria: Ambry Variant Classification Scheme 2023. Collection method: clinical testing. Allele origin: germline.

Blueprint Genetics
Classification: Likely benign. Last evaluated: 2019-10-17. Review status: criteria provided, single submitter. Criteria: ACMG Guidelines, 2015. Collection method: clinical testing. Allele origin: germline.

NM_005228.5(EGFR):c.525C>T (p.Asn175=)

Gene: EGFR (epidermal growth factor receptor; plus strand). Cytogenetic location: 7p11.2.
Variant type: single nucleotide variant.
Coding change: c.525C>T on transcript NM_005228.5 (MANE Select); coding-DNA position 525, C replaced by T.
Protein change: p.Asn175=; no amino-acid change (asparagine 175 retained).
Molecular consequence: synonymous variant. On other transcripts: intron variant (3).
Genome position (GRCh38, 1-based): chr7:55,146,706, C>T. VCF-style: chr7-55146706-C-T. GRCh37 (hg19) VCF-style: chr7-55214399-C-T.
Other names: c.525C>T, p.Asn175= (NM_001346898.2, NM_201282.2, NM_201283.2 and 1 more transcripts); c.366C>T, p.Asn122= (NM_001346900.2); c.424+3218C>T (NM_001346899.2, NM_001346897.2); c.89-9124C>T (NM_001346941.2).
Identifiers: ClinVar variation 360454 (VCV000360454.29), dbSNP rs749002473, ClinGen allele CA4265239.
Genomic context (GRCh38, chr7:55,146,706, plus strand): 5'-CCTGTGCAACGTGGAGAGCATCCAGTGGCGGGACATAGTCAGCAGTGACTTTCTCAGCAA[C>T]ATGTCGATGGACTTCCAGAACCACCTGGGCAGCTGTAAGTGTCGCATACACACTATCTCT-3'
Protein context (NP_005219.2, residues 165-185): RDIVSSDFLS[Asn175=]MSMDFQNHLG